The following is an entry in ClinVar:

NM_018646.6(TRPV6):c.845C>T (p.Thr282Ile)

Gene: TRPV6 (transient receptor potential cation channel subfamily V member 6; minus strand). Cytogenetic location: 7q34.
Variant type: single nucleotide variant.
Coding change: c.845C>T on transcript NM_018646.6 (MANE Select); coding-DNA position 845, C replaced by T.
Protein change: p.Thr282Ile; replaces threonine 282 with isoleucine.
Molecular consequence: missense variant.
Genome position (GRCh38, 1-based): chr7:142,876,445, G>A on the plus strand (C>T on the coding strand, the complement: TRPV6 is on the minus strand). VCF-style: chr7-142876445-G-A. GRCh37 (hg19) VCF-style: chr7-142574198-G-A.
Other names: short protein forms T282I.
Identifiers: ClinVar variation 3684889 (VCV003684889.2).

ClinVar aggregate classification (germline): Uncertain significance (1 of 4 stars; one submission).

Submission:

Labcorp Genetics (formerly Invitae), Labcorp
Classification: Uncertain significance. Last evaluated: 2024-08-04. Review status: criteria provided, single submitter. Criteria: Invitae Variant Classification Sherloc (09022015). Collection method: clinical testing. Allele origin: germline.
Comment: This sequence change replaces threonine, which is neutral and polar, with isoleucine, which is neutral and non-polar, at codon 282 of the TRPV6 protein (p.Thr282Ile). This variant is not present in population databases (gnomAD no frequency). This variant has not been reported in the literature in individuals affected with TRPV6-related conditions. Experimental studies and prediction algorithms are not available or were not evaluated, and the functional significance of this variant is currently unknown. In summary, the available evidence is currently insufficient to determine the role of this variant in disease. Therefore, it has been classified as a Variant of Uncertain Significance.